The following is an entry in ClinVar:

NM_020461.4(TUBGCP6):c.5286G>A (p.Pro1762=)

Gene: TUBGCP6 (tubulin gamma complex component 6; minus strand). Cytogenetic location: 22q13.33.
Variant type: single nucleotide variant.
Coding change: c.5286G>A on transcript NM_020461.4 (MANE Select); coding-DNA position 5286, G replaced by A.
Protein change: p.Pro1762=; no amino-acid change (proline 1762 retained).
Molecular consequence: synonymous variant.
Genome position (GRCh38, 1-based): chr22:50,218,000, C>T on the plus strand (G>A on the coding strand, the complement: TUBGCP6 is on the minus strand). VCF-style: chr22-50218000-C-T. GRCh37 (hg19) VCF-style: chr22-50656429-C-T.
Other names: c.5286G>A (NM_020461.3).
Identifiers: ClinVar variation 1118905 (VCV001118905.11), dbSNP rs746320008, ClinGen allele CA10307088.

ClinVar aggregate classification (germline): Likely benign. Review status: criteria provided, single submitter (1 of 4 stars). 2 submissions from 2 submitters: Likely benign (1). 1 of the submissions does not count toward it. Last evaluated 2022-07-19.

Conditions:
TUBGCP6-related disorder. Also called: TUBGCP6-related condition.

Allele frequency attached by ClinVar (database versions not stated): gnomAD 0.00002; TOPMed 0.00005.
gnomAD v4.1: 45 of 1,611,868 alleles (0.0028%); highest among the groups gnomAD compares: Middle Eastern, 0.016%; no homozygotes.

Submissions (2):

Labcorp Genetics (formerly Invitae), Labcorp
Classification: Likely benign. Last evaluated: 2022-07-19. Review status: criteria provided, single submitter. Criteria: Invitae Variant Classification Sherloc (09022015). Collection method: clinical testing. Allele origin: germline.

PreventionGenetics, part of Exact Sciences
Classification: Likely benign for TUBGCP6-related condition. Last evaluated: 2019-03-14. Review status: no assertion criteria provided. Collection method: clinical testing. Allele origin: germline. Not counted in ClinVar's aggregate classification.
Comment: This variant is classified as likely benign based on ACMG/AMP sequence variant interpretation guidelines (Richards et al. 2015 PMID: 25741868, with internal and published modifications).